The following is an entry in ClinVar:

ClinVar aggregate classification (germline): Likely pathogenic. Review status: criteria provided, multiple submitters, no conflicts (2 of 4 stars). 2 submissions from 2 submitters: Likely pathogenic (2). Last evaluated 2023-09-04.

Conditions:
Cerebral arteriopathy, autosomal dominant, with subcortical infarcts and leukoencephalopathy, type 1 (CADASIL1). Also called: CADASIL 1; CASIL; Cerebral arteriopathy with subcortical infarcts and leukoencephalopathy 1; DEMENTIA, HEREDITARY MULTIINFARCT TYPE. Identifiers: Orphanet 136, MedGen C4551768, MONDO:0000914, OMIM 125310.

Submissions (2):

Institute of Human Genetics, University of Leipzig Medical Center
Classification: Likely pathogenic for Cerebral arteriopathy, autosomal dominant, with subcortical infarcts and leukoencephalopathy, type 1. Last evaluated: 2023-09-04. Review status: criteria provided, single submitter. Criteria: ACMG Guidelines, 2015. Collection method: clinical testing. Allele origin: unknown. Inheritance: Autosomal dominant inheritance. Affected: yes.

CeGaT Center for Human Genetics Tuebingen
Classification: Likely pathogenic. Last evaluated: 2023-09-01. Review status: criteria provided, single submitter. Criteria: CeGaT Center For Human Genetics Tuebingen Variant Classification Criteria Version 2. Collection method: clinical testing. Allele origin: germline. Affected: yes. Observed: 1 variant allele.
Comment: NOTCH3: PM1:Strong, PM2, PM5, PS4:Supporting

NM_000435.3(NOTCH3):c.547T>C (p.Cys183Arg)

Gene: NOTCH3 (notch receptor 3; minus strand). Cytogenetic location: 19p13.12.
Variant type: single nucleotide variant.
Coding change: c.547T>C on transcript NM_000435.3 (MANE Select); coding-DNA position 547, T replaced by C.
Protein change: p.Cys183Arg; replaces cysteine 183 with arginine.
Molecular consequence: missense variant.
Genome position (GRCh38, 1-based): chr19:15,192,092, A>G on the plus strand (T>C on the coding strand, the complement: NOTCH3 is on the minus strand). VCF-style: chr19-15192092-A-G. GRCh37 (hg19) VCF-style: chr19-15302903-A-G.
Other names: short protein forms C183R.
Identifiers: ClinVar variation 1297039 (VCV001297039.28), dbSNP rs2145441707, ClinGen allele CA404533625.